The following is an entry in ClinVar:

ClinVar aggregate classification (germline): Likely benign (1 of 4 stars; one submission).

gnomAD v4.1: 5,108 of 1,604,490 alleles (0.32%); highest among the groups gnomAD compares: Non-Finnish European, 0.42%; 14 homozygotes.

Submission:

CeGaT Center for Human Genetics Tuebingen
Classification: Likely benign. Last evaluated: 2025-04-01. Review status: criteria provided, single submitter. Criteria: CeGaT Center For Human Genetics Tuebingen Variant Classification Criteria Version 2. Collection method: clinical testing. Allele origin: germline. Affected: yes. Observed: 1 variant allele.
Comment: TEP1: BP4, BS2

NM_007110.5(TEP1):c.1658C>G (p.Ala553Gly)

Gene: TEP1 (telomerase associated protein 1; minus strand). Cytogenetic location: 14q11.2.
Variant type: single nucleotide variant.
Coding change: c.1658C>G on transcript NM_007110.5 (MANE Select); coding-DNA position 1658, C replaced by G.
Protein change: p.Ala553Gly; replaces alanine 553 with glycine.
Molecular consequence: missense variant.
Genome position (GRCh38, 1-based): chr14:20,396,622, G>C on the plus strand (C>G on the coding strand, the complement: TEP1 is on the minus strand). VCF-style: chr14-20396622-G-C. GRCh37 (hg19) VCF-style: chr14-20864781-G-C.
Other names: c.1334C>G, p.Ala445Gly (NM_001319035.2); short protein forms A445G, A553G.
Identifiers: ClinVar variation 3898084 (VCV003898084.7).